The following is an entry in ClinVar:

ClinVar aggregate classification (germline): Uncertain significance. Review status: criteria provided, multiple submitters, no conflicts (2 of 4 stars). 2 submissions from 2 submitters: Uncertain significance (2). Last evaluated 2025-06-09.

Conditions:
Neurofibromatosis, type 1 (NF1). Also called: VON RECKLINGHAUSEN DISEASE; Peripheral type neurofibromatosis; NEUROFIBROMATOSIS, TYPE I, SOMATIC; Neurofibromatosis, type I. Identifiers: Orphanet 636, MedGen C0027831, MONDO:0018975, OMIM 162200. Disease mechanism: loss of function.
Cardiovascular phenotype. Identifiers: MedGen CN230736.
Hereditary cancer-predisposing syndrome. Also called: Hereditary Cancer Syndrome; Hereditary neoplastic syndrome; Neoplastic Syndromes, Hereditary; Tumor predisposition. Identifiers: Orphanet 140162, MedGen C0027672, MeSH D009386, MONDO:0015356.

Submissions (2):

Ambry Genetics
Classification: Uncertain significance for Cardiovascular phenotype; Hereditary cancer-predisposing syndrome. Last evaluated: 2025-06-09. Review status: criteria provided, single submitter. Criteria: Ambry Variant Classification Scheme 2023. Collection method: clinical testing. Allele origin: germline.
Comment: The p.K191R variant (also known as c.572A>G), located in coding exon 5 of the NF1 gene, results from an A to G substitution at nucleotide position 572. The lysine at codon 191 is replaced by arginine, an amino acid with highly similar properties. This amino acid position is conserved. In addition, the in silico prediction for this alteration is inconclusive. Based on the available evidence, the clinical significance of this variant remains unclear.

Labcorp Genetics (formerly Invitae), Labcorp
Classification: Uncertain significance for Neurofibromatosis, type 1. Last evaluated: 2025-02-02. Review status: criteria provided, single submitter. Criteria: Invitae Variant Classification Sherloc (09022015). Collection method: clinical testing. Allele origin: germline.
Comment: This sequence change replaces lysine, which is basic and polar, with arginine, which is basic and polar, at codon 191 of the NF1 protein (p.Lys191Arg). This variant is not present in population databases (gnomAD no frequency). This variant has not been reported in the literature in individuals affected with NF1-related conditions. Invitae Evidence Modeling of protein sequence and biophysical properties (such as structural, functional, and spatial information, amino acid conservation, physicochemical variation, residue mobility, and thermodynamic stability) indicates that this missense variant is expected to disrupt NF1 protein function with a positive predictive value of 95%. In summary, the available evidence is currently insufficient to determine the role of this variant in disease. Therefore, it has been classified as a Variant of Uncertain Significance.

NM_001042492.3(NF1):c.572A>G (p.Lys191Arg)

Gene: NF1 (neurofibromin 1; plus strand). Cytogenetic location: 17q11.2.
Variant type: single nucleotide variant.
Coding change: c.572A>G on transcript NM_001042492.3 (MANE Select); coding-DNA position 572, A replaced by G.
Protein change: p.Lys191Arg; replaces lysine 191 with arginine.
Molecular consequence: missense variant.
Genome position (GRCh38, 1-based): chr17:31,169,983, A>G. VCF-style: chr17-31169983-A-G. GRCh37 (hg19) VCF-style: chr17-29497001-A-G.
Other names: c.572A>G, p.Lys191Arg (NM_000267.4, NM_001128147.3); short protein forms K191R.
Identifiers: ClinVar variation 3631509 (VCV003631509.3).